The following is an entry in ClinVar:

ClinVar aggregate classification (germline): Uncertain significance (1 of 4 stars; one submission).

Conditions:
Malignant hyperthermia, susceptibility to, 1 (MHS1). Also called: RYR1-Related Malignant Hyperthermia Susceptibility; Anesthesia related hyperthermia; Malignant hyperpyrexia; Fulminating hyperpyrexia; Pharmacogenic myopathy; Malignant hyperthermia suceptibility 1. Identifiers: Orphanet 423, MedGen C2930980, MONDO:0007783, OMIM 145600.

Submission:

All of Us Research Program, National Institutes of Health
Classification: Uncertain significance for Malignant hyperthermia, susceptibility to, 1. Last evaluated: 2023-03-04. Review status: criteria provided, single submitter. Criteria: ACMG Guidelines, 2015. Collection method: clinical testing. Allele origin: germline. Inheritance: Autosomal dominant inheritance. Observed: 1 variant allele, 1 heterozygote.
Comment: This study involves interpretation of variants in research participants for the purpose of population health screening. Participant phenotype was not available at the time of variant classification. Additional details can be found in publication PMID: 35346344, PMCID: PMC8962531

NM_000540.3(RYR1):c.3688C>A (p.Gln1230Lys)

Gene: RYR1 (ryanodine receptor 1; plus strand). Cytogenetic location: 19q13.2.
Variant type: single nucleotide variant.
Coding change: c.3688C>A on transcript NM_000540.3 (MANE Select); coding-DNA position 3688, C replaced by A.
Protein change: p.Gln1230Lys; replaces glutamine 1230 with lysine.
Molecular consequence: missense variant.
Genome position (GRCh38, 1-based): chr19:38,469,436, C>A. VCF-style: chr19-38469436-C-A. GRCh37 (hg19) VCF-style: chr19-38960076-C-A.
Other names: c.3688C>A, p.Gln1230Lys (NM_001042723.2); short protein forms Q1230K.
Identifiers: ClinVar variation 3069530 (VCV003069530.1), dbSNP rs1186905126, ClinGen allele CA405639623.